The following is an entry in ClinVar:

ClinVar aggregate classification (germline): Uncertain significance (1 of 4 stars; one submission).

Conditions:
Combined immunodeficiency due to LRBA deficiency. Also called: Common variable immunodeficiency 8, with autoimmunity. Identifiers: Orphanet 445018, MedGen C3553512, MONDO:0013863, OMIM 614700.

Allele frequency attached by ClinVar (database versions not stated): gnomAD exomes below 0.00001; TOPMed below 0.00001; gnomAD 0.00001.
gnomAD v4.1: 7 of 1,613,914 alleles (0.00043%); highest among the groups gnomAD compares: Non-Finnish European, 0.00059%; no homozygotes.

Submission:

Labcorp Genetics (formerly Invitae), Labcorp
Classification: Uncertain significance for Combined immunodeficiency due to LRBA deficiency. Last evaluated: 2022-06-20. Review status: criteria provided, single submitter. Criteria: Invitae Variant Classification Sherloc (09022015). Collection method: clinical testing. Allele origin: germline.
Comment: In summary, the available evidence is currently insufficient to determine the role of this variant in disease. Therefore, it has been classified as a Variant of Uncertain Significance. Algorithms developed to predict the effect of missense changes on protein structure and function (SIFT, PolyPhen-2, Align-GVGD) all suggest that this variant is likely to be tolerated. This variant has not been reported in the literature in individuals affected with LRBA-related conditions. This variant is not present in population databases (gnomAD no frequency). This sequence change replaces glutamine, which is neutral and polar, with glutamic acid, which is acidic and polar, at codon 1166 of the LRBA protein (p.Gln1166Glu).

NM_001364905.1(LRBA):c.3496C>G (p.Gln1166Glu)

Gene: LRBA (LPS responsive beige-like anchor protein; minus strand). Cytogenetic location: 4q31.3.
Variant type: single nucleotide variant.
Coding change: c.3496C>G on transcript NM_001364905.1 (MANE Select); coding-DNA position 3496, C replaced by G.
Protein change: p.Gln1166Glu; replaces glutamine 1166 with glutamic acid.
Molecular consequence: missense variant.
Genome position (GRCh38, 1-based): chr4:150,852,214, G>C on the plus strand (C>G on the coding strand, the complement: LRBA is on the minus strand). VCF-style: chr4-150852214-G-C. GRCh37 (hg19) VCF-style: chr4-151773366-G-C.
Other names: c.3496C>G, p.Gln1166Glu (NM_001199282.3, NM_001367550.1, NM_006726.5); short protein forms Q1166E.
Identifiers: ClinVar variation 2419515 (VCV002419515.4), dbSNP rs1321691451, ClinGen allele CA358456921.